The following is an entry in ClinVar:

ClinVar aggregate classification (germline): Pathogenic/Likely pathogenic. Review status: criteria provided, multiple submitters, no conflicts (2 of 4 stars). 6 submissions from 6 submitters: Pathogenic (3); Likely pathogenic (1). 2 of the submissions do not count toward it. Last evaluated 2024-05-13.

Conditions:
Wilson disease (WND). Also called: Wilson's disease. Identifiers: Orphanet 905, MedGen C0019202, MONDO:0010200, OMIM 277900. Disease mechanism: loss of function.

Submissions (6):

Fulgent Genetics
Classification: Likely pathogenic for Wilson disease. Last evaluated: 2024-05-13. Review status: criteria provided, single submitter. Criteria: ACMG Guidelines, 2015. Collection method: clinical testing. Allele origin: germline.

All of Us Research Program, National Institutes of Health
Classification: Pathogenic for Wilson disease. Last evaluated: 2024-03-24. Review status: criteria provided, single submitter. Criteria: ACMG Guidelines, 2015. Collection method: clinical testing. Allele origin: germline. Inheritance: Autosomal recessive inheritance. Observed: 3 variant alleles, 3 heterozygotes.
Comment: This variant is predicted to result in loss of protein function through nonsense-mediated decay or protein truncation. Loss of function is an established mechanism of disease in Wilson disease. This variant has been reported in individuals with Wilson disease (PMID: 21707886, 25130000, 8298641). This variant is present in 1/249586 total alleles in the Genome Aggregation Database. This variant was detected in one affected individual as homozygous and one as compound heterozygous (in trans) with a likely pathogenic or pathogenic variant, which is consistent with autosomal recessive inheritance (PMID: 23518715, 31059521).

This study involves interpretation of variants in research participants for the purpose of population health screening. Participant phenotype was not available at the time of variant classification. Additional details can be found in publication PMID: 35346344, PMCID: PMC8962531

Color Diagnostics, LLC DBA Color Health
Classification: Pathogenic for Wilson disease. Last evaluated: 2024-02-14. Review status: criteria provided, single submitter. Criteria: ACMG Guidelines, 2015. Collection method: clinical testing. Allele origin: germline.
Comment: This variant inserts 1 nucleotide in exon 16 of the ATP7B gene, creating a frameshift and premature translation stop signal. This variant is expected to result in an absent or non-functional protein product. This variant has been reported in an individual affected with Wilson disease (PMID: 8298641). This variant has been identified in 1/249586 chromosomes in the general population by the Genome Aggregation Database (gnomAD). Loss of ATP7B function is a known mechanism of disease. Based on the available evidence, this variant is classified as Pathogenic.

Baylor Genetics
Classification: Pathogenic for Wilson disease. Last evaluated: 2023-12-17. Review status: criteria provided, single submitter. Criteria: ACMG Guidelines, 2015. Collection method: clinical testing. Allele origin: unknown.

Counsyl
Classification: Likely pathogenic for Wilson's disease. Last evaluated: 2014-12-29. Review status: no assertion criteria provided. Collection method: literature only. Allele origin: unknown. Inheritance: Autosomal recessive inheritance. Not counted in ClinVar's aggregate classification.

OMIM
Classification: Pathogenic for WILSON DISEASE. Last evaluated: 1993-12-01. Review status: no assertion criteria provided. Collection method: literature only. Allele origin: germline. Not counted in ClinVar's aggregate classification.

Literature cited by the submitters: PubMed 8298641 (cited by 4 submitters); PubMed 21707886 (cited by All of Us Research Program, National Institutes of Health); PubMed 23518715 (cited by All of Us Research Program, National Institutes of Health and Counsyl); PubMed 25130000 (cited by All of Us Research Program, National Institutes of Health); PubMed 31059521 (cited by All of Us Research Program, National Institutes of Health).

NM_000053.4(ATP7B):c.3552dup (p.Asp1185Ter)

Gene: ATP7B (ATPase copper transporting beta; minus strand). Cytogenetic location: 13q14.3.
Variant type: Duplication.
Coding change: c.3552dup on transcript NM_000053.4 (MANE Select); coding-DNA position 3552, one base duplicated (T; older notation c.3552dupT).
Protein change: p.Asp1185Ter; replaces aspartic acid 1185 with a stop codon.
Molecular consequence: nonsense.
Genome position (GRCh38, 1-based): chr13:51,941,085, A duplicated on the plus strand (T on the coding strand, the reverse complement: ATP7B is on the minus strand); the first of 2 consecutive A bases (chr13:51,941,085-51,941,086); duplicating either gives the same sequence. VCF-style (leftmost placement, unchanged base first): chr13-51941084-C-CA. GRCh37 (hg19) VCF-style: chr13-52515220-C-CA.
Other names: c.2931dup, p.Asp978Ter (NM_001005918.3); c.3219dup, p.Asp1074Ter (NM_001243182.2); c.3318dup, p.Asp1107Ter (NM_001330578.2); c.3300dup, p.Asp1101Ter (NM_001330579.2); short protein forms D1107*, D1101*, D978*, D1074*, D1185*.
Identifiers: ClinVar variation 189108 (VCV000189108.12), dbSNP rs748924063, ClinGen allele CA274387.